The following is an entry in ClinVar:

ClinVar aggregate classification (germline): Uncertain significance (1 of 4 stars; one submission).

Submission:

Labcorp Genetics (formerly Invitae), Labcorp
Classification: Uncertain significance. Last evaluated: 2024-04-25. Review status: criteria provided, single submitter. Criteria: Invitae Variant Classification Sherloc (09022015). Collection method: clinical testing. Allele origin: germline.
Comment: This sequence change replaces glycine, which is neutral and non-polar, with alanine, which is neutral and non-polar, at codon 314 of the PAFAH1B1 protein (p.Gly314Ala). This variant is not present in population databases (gnomAD no frequency). This variant has not been reported in the literature in individuals affected with PAFAH1B1-related conditions. An algorithm developed to predict the effect of missense changes on protein structure and function (PolyPhen-2) suggests that this variant is likely to be tolerated. In summary, the available evidence is currently insufficient to determine the role of this variant in disease. Therefore, it has been classified as a Variant of Uncertain Significance.

NM_000430.4(PAFAH1B1):c.941G>C (p.Gly314Ala)

Gene: PAFAH1B1 (platelet activating factor acetylhydrolase 1b regulatory subunit 1; plus strand). Cytogenetic location: 17p13.3.
Variant type: single nucleotide variant.
Coding change: c.941G>C on transcript NM_000430.4 (MANE Select); coding-DNA position 941, G replaced by C.
Protein change: p.Gly314Ala; replaces glycine 314 with alanine.
Molecular consequence: missense variant.
Genome position (GRCh38, 1-based): chr17:2,676,545, G>C. VCF-style: chr17-2676545-G-C. GRCh37 (hg19) VCF-style: chr17-2579839-G-C.
Other names: short protein forms G314A.
Identifiers: ClinVar variation 3651082 (VCV003651082.2).